The following is an entry in ClinVar:

ClinVar aggregate classification (germline): Pathogenic. Review status: criteria provided, multiple submitters, no conflicts (2 of 4 stars). 2 submissions from 2 submitters: Pathogenic (2). Last evaluated 2026-02-11.

Conditions:
Joubert syndrome 3 (JBTS3). Also called: AHI1-related Ciliopathy. Identifiers: Orphanet 220493, MedGen C1837713, MONDO:0012078, OMIM 608629.
Joubert syndrome. Also called: JOUBERT-BOLTSHAUSER SYNDROME; Familial aplasia of the vermis. Identifiers: Orphanet 475, MedGen C5979921, MONDO:0018772.

Allele frequency attached by ClinVar (database versions not stated): gnomAD exomes below 0.00001; gnomAD 0.00001; TOPMed 0.00003.
gnomAD v4.1: 4 of 1,594,908 alleles (0.00025%); highest among the groups gnomAD compares: Admixed American, 0.0067%; no homozygotes.

Submissions (2):

Myriad Genetics, Inc.
Classification: Pathogenic for Joubert syndrome 3. Last evaluated: 2026-02-11. Review status: criteria provided, single submitter. Criteria: Myriad Autosomal Dominant, Autosomal Recessive and X-Linked Classification Criteria (2023). Collection method: clinical testing. Allele origin: unknown.
Comment: NM_001134831.1(AHI1):c.2042G>A(W681*) is expected to be pathogenic in the context of Joubert syndrome, AHI1-related. This variant is predicted to lead to an abnormal or absent protein product due to the creation of a premature termination codon in AHI1, a gene where loss-of-function variants are known to be pathogenic. Please note: this variant was assessed in the context of healthy population screening.

Labcorp Genetics (formerly Invitae), Labcorp
Classification: Pathogenic for Joubert syndrome. Last evaluated: 2023-05-22. Review status: criteria provided, single submitter. Criteria: Invitae Variant Classification Sherloc (09022015). Collection method: clinical testing. Allele origin: germline.
Comment: For these reasons, this variant has been classified as Pathogenic. Algorithms developed to predict the effect of sequence changes on RNA splicing suggest that this variant may disrupt the consensus splice site. This variant has not been reported in the literature in individuals affected with AHI1-related conditions. This variant is present in population databases (no rsID available, gnomAD 0.009%). This sequence change creates a premature translational stop signal (p.Trp681*) in the AHI1 gene. It is expected to result in an absent or disrupted protein product. Loss-of-function variants in AHI1 are known to be pathogenic (PMID: 15322546, 16453322, 28442542, 29186038).

Literature cited by the submitters: PubMed 15322546 (cited by Labcorp Genetics (formerly Invitae), Labcorp); PubMed 16453322 (cited by Labcorp Genetics (formerly Invitae), Labcorp); PubMed 28442542 (cited by Labcorp Genetics (formerly Invitae), Labcorp); PubMed 29186038 (cited by Labcorp Genetics (formerly Invitae), Labcorp).

NM_001134831.2(AHI1):c.2042G>A (p.Trp681Ter)

Gene: AHI1 (Abelson helper integration site 1; minus strand). Cytogenetic location: 6q23.3.
Variant type: single nucleotide variant.
Coding change: c.2042G>A on transcript NM_001134831.2 (MANE Select); coding-DNA position 2042, G replaced by A.
Protein change: p.Trp681Ter; replaces tryptophan 681 with a stop codon.
Molecular consequence: nonsense.
Genome position (GRCh38, 1-based): chr6:135,433,251, C>T on the plus strand (G>A on the coding strand, the complement: AHI1 is on the minus strand). VCF-style: chr6-135433251-C-T. GRCh37 (hg19) VCF-style: chr6-135754389-C-T.
Other names: c.2042G>A, p.Trp681Ter (NM_001134830.2, NM_001134832.2, NM_001350503.2 and 2 more transcripts); short protein forms W681*.
Identifiers: ClinVar variation 2871859 (VCV002871859.4), dbSNP rs1236041314, ClinGen allele CA365743840.